The following is an entry in ClinVar:

NM_031935.3(HMCN1):c.2551G>A (p.Ala851Thr)

Gene: HMCN1 (hemicentin 1; plus strand). Cytogenetic location: 1q31.1.
Variant type: single nucleotide variant.
Coding change: c.2551G>A on transcript NM_031935.3 (MANE Select); coding-DNA position 2551, G replaced by A.
Protein change: p.Ala851Thr; replaces alanine 851 with threonine.
Molecular consequence: missense variant.
Genome position (GRCh38, 1-based): chr1:185,977,966, G>A. VCF-style: chr1-185977966-G-A. GRCh37 (hg19) VCF-style: chr1-185947098-G-A.
Other names: short protein forms A851T.
Identifiers: ClinVar variation 3639954 (VCV003639954.2).
Genomic context (GRCh38, chr1:185,977,966, plus strand): 5'-AACATGCCAATTTTCTCAAGACCTTTTTCAGTTAGTTCCATCAGCCAACTAAGAACAGGA[G>A]CTCTCTTTATTTTAAGTAGGTTGAAGGAAATATATTTTGTACGAATATGTACTTTTATGT-3'
Protein context (NP_114141.2, residues 841-861): VSSISQLRTG[Ala851Thr]LFILNLWASD

ClinVar aggregate classification (germline): Uncertain significance (1 of 4 stars; one submission).

gnomAD v4.1: 3 of 1,611,448 alleles (0.00019%); highest among the groups gnomAD compares: Non-Finnish European, 0.00025%; no homozygotes.

Submission:

Labcorp Genetics (formerly Invitae), Labcorp
Classification: Uncertain significance. Last evaluated: 2024-02-09. Review status: criteria provided, single submitter. Criteria: Invitae Variant Classification Sherloc (09022015). Collection method: clinical testing. Allele origin: germline.
Comment: This sequence change replaces alanine, which is neutral and non-polar, with threonine, which is neutral and polar, at codon 851 of the HMCN1 protein (p.Ala851Thr). This variant is present in population databases (rs760983892, gnomAD 0.0009%). This variant has not been reported in the literature in individuals affected with HMCN1-related conditions. An algorithm developed to predict the effect of missense changes on protein structure and function (PolyPhen-2) suggests that this variant is likely to be tolerated. In summary, the available evidence is currently insufficient to determine the role of this variant in disease. Therefore, it has been classified as a Variant of Uncertain Significance.